The following is an entry in ClinVar:

NM_201596.3(CACNB2):c.1058_1060dup (p.Glu353dup)

Gene: CACNB2 (calcium voltage-gated channel auxiliary subunit beta 2; plus strand). Cytogenetic location: 10p12.31.
Variant type: Duplication.
Coding change: c.1058_1060dup on transcript NM_201596.3 (MANE Select); coding-DNA positions 1058 to 1060, 3 bases duplicated (AAG; older notation c.1058_1060dupAAG).
Protein change: p.Glu353dup; duplicates glutamic acid 353.
Molecular consequence: inframe insertion.
Genome position (GRCh38, 1-based): chr10:18,534,079-18,534,081, AAG duplicated; duplicating any 3 consecutive bases within chr10:18,534,078-18,534,081 gives the same sequence; the c. name uses the placement nearest the transcript's 3' end. VCF-style (leftmost placement, unchanged base first): chr10-18534077-G-GGAA. GRCh37 (hg19) VCF-style: chr10-18823006-G-GGAA.
Other names: c.893_895dup, p.Glu298dup (NM_000724.4); c.860_862dup, p.Glu287dup (NM_001167945.2); c.779_781dup, p.Glu260dup (NM_001330060.2); c.914_916dup, p.Glu305dup (NM_201570.3); c.974_976dup, p.Glu325dup (NM_201571.4); c.902_904dup, p.Glu301dup (NM_201572.4); c.896_898dup, p.Glu299dup (NM_201590.3); c.944_946dup, p.Glu315dup (NM_201593.3); and 1 more.
Identifiers: ClinVar variation 1020590 (VCV001020590.8), dbSNP rs2053324063, ClinGen allele CA1894164537.

ClinVar aggregate classification (germline): Uncertain significance (1 of 4 stars; one submission).

Conditions:
Brugada syndrome 4 (BRGDA4). Identifiers: Orphanet 130, MedGen C2678477, MONDO:0012743, OMIM 611876.

Submission:

Labcorp Genetics (formerly Invitae), Labcorp
Classification: Uncertain significance for Brugada syndrome 4. Last evaluated: 2020-09-03. Review status: criteria provided, single submitter. Criteria: Invitae Variant Classification Sherloc (09022015). Collection method: clinical testing. Allele origin: germline.
Comment: This variant, c.896_898dup, results in the insertion of 1 amino acid(s) to the CACNB2 protein (p.Glu299dup), but otherwise preserves the integrity of the reading frame. This variant is not present in population databases (ExAC no frequency). This variant has not been reported in the literature in individuals with CACNB2-related conditions. Experimental studies and prediction algorithms are not available or were not evaluated, and the functional significance of this variant is currently unknown. In summary, the available evidence is currently insufficient to determine the role of this variant in disease. Therefore, it has been classified as a Variant of Uncertain Significance.